The following is an entry in ClinVar:

NM_058179.4(PSAT1):c.1008-11G>T

Gene: PSAT1 (phosphoserine aminotransferase 1; plus strand). Cytogenetic location: 9q21.2.
Variant type: single nucleotide variant.
Coding change: c.1008-11G>T on transcript NM_058179.4 (MANE Select); 11 bases into the intron before coding-DNA position 1008, G replaced by T.
Molecular consequence: intron variant.
Genome position (GRCh38, 1-based): chr9:78,328,970, G>T. VCF-style: chr9-78328970-G-T. GRCh37 (hg19) VCF-style: chr9-80943886-G-T.
Other names: c.870-11G>T (NM_021154.5).
Identifiers: ClinVar variation 367460 (VCV000367460.13), dbSNP rs200199574, ClinGen allele CA5095796.
Genomic context (GRCh38, chr9:78,328,970, plus strand): 5'-GCTAGAAAAAGGTGTTTTGATGCGAAATTAGACGTTTTTGTTCTCAATGCCTGGATCTTT[G>T]GTCATTCTAGGTCTGTGGGAGGCATCCGGGCCTCTCTGTATAATGCTGTCACAATTGAAG-3'

ClinVar aggregate classification (germline): Benign/Likely benign. Review status: criteria provided, multiple submitters, no conflicts (2 of 4 stars). 3 submissions from 3 submitters: Benign (1); Likely benign (2). Last evaluated 2025-11-05.

Conditions:
Neu-Laxova syndrome 2. Identifiers: Orphanet 2671, Orphanet 583602, MedGen C4015019, MONDO:0014466, OMIM 616038.
PSAT deficiency. Identifiers: Orphanet 284417, MedGen C1970253, MONDO:0012596, OMIM 610992.

Allele frequency attached by ClinVar (database versions not stated): gnomAD 0.00013 and 0.00017; TOPMed 0.00013; ExAC 0.00030; gnomAD exomes 0.00031; 1000 Genomes Project 0.00120; 1000 Genomes Project 30x 0.00125.
gnomAD v4.1: 139 of 1,603,860 alleles (0.0087%); highest among the groups gnomAD compares: East Asian, 0.2%; 1 homozygote.

Submissions (3):

Labcorp Genetics (formerly Invitae), Labcorp
Classification: Benign for Neu-Laxova syndrome 2. Last evaluated: 2025-11-05. Review status: criteria provided, single submitter. Criteria: Invitae Variant Classification Sherloc (09022015). Collection method: clinical testing. Allele origin: germline.

Blueprint Genetics
Classification: Likely benign. Last evaluated: 2024-04-30. Review status: criteria provided, single submitter. Criteria: ACMG Guidelines, 2015. Collection method: clinical testing. Allele origin: germline.

Illumina Laboratory Services, Illumina
Classification: Likely benign for PSAT deficiency. Last evaluated: 2018-01-13. Review status: criteria provided, single submitter. Criteria: ICSL Variant Classification Criteria 13 December 2019. Collection method: clinical testing. Allele origin: germline.
Comment: This variant was observed in the ICSL laboratory as part of a predisposition screen in an ostensibly healthy population. It had not been previously curated by ICSL or reported in the Human Gene Mutation Database (HGMD: prior to June 1st, 2018), and was therefore a candidate for classification through an automated scoring system. Utilizing variant allele frequency, disease prevalence and penetrance estimates, and inheritance mode, an automated score was calculated to assess if this variant is too frequent to cause the disease. Based on the score and internal cut-off values, a variant classified as likely benign is not then subjected to further curation. The score for this variant resulted in a classification of likely benign for this disease.